The following is an entry in ClinVar:

ClinVar aggregate classification (germline): Conflicting classifications of pathogenicity. Review status: criteria provided, conflicting classifications (1 of 4 stars). 7 submissions from 7 submitters: Pathogenic (3); Likely pathogenic (3); Likely benign (1). Last evaluated 2026-02-26.

Conditions:
Albinism or congenital nystagmus.
OCA2-related disorder. Also called: OCA2-related condition.
SKIN/HAIR/EYE PIGMENTATION 1, BLUE/NONBLUE EYES (SHEP1). Also called: BROWN EYE COLOR 2; EYE COLOR 3; EYE COLOR, BLUE/NONBLUE; EYE COLOR, BROWN/BLUE; HAIR COLOR 3; SKIN/HAIR/EYE PIGMENTATION 1, BLOND/BROWN HAIR. Identifiers: MedGen C1856895, OMIM 227220.
Tyrosinase-positive oculocutaneous albinism (OCA2). Also called: Oculocutaneous albinism type 2; ALBINISM II; Albinism, oculocutaneous, type II. Identifiers: Orphanet 79432, MedGen C0268495, MONDO:0008746, OMIM 203200.
Oculocutaneous albinism. Identifiers: Orphanet 55, MedGen C0078918, MONDO:0018910.

Allele frequency attached by ClinVar (database versions not stated): TOPMed below 0.00001; ExAC 0.00001; gnomAD 0.00001; gnomAD exomes 0.00002; ESP Exome Variant Server 0.00008.
gnomAD v4.1: 28 of 1,613,932 alleles (0.0017%); highest among the groups gnomAD compares: Non-Finnish European, 0.0022%; no homozygotes.

Submissions (7):

NHS Central & South Genomic Laboratory Hub
Classification: Likely pathogenic for Albinism or congenital nystagmus. Last evaluated: 2026-02-26. Review status: criteria provided, single submitter. Criteria: ACMG Guidelines, 2015. Collection method: clinical testing. Allele origin: germline. Affected: yes.

PreventionGenetics, part of Exact Sciences
Classification: Likely pathogenic for OCA2-related condition. Last evaluated: 2026-02-06. Review status: criteria provided, single submitter. Criteria: ACMG Guidelines, 2015. Collection method: clinical testing. Allele origin: germline.
Comment: The OCA2 c.1080C>T variant is not predicted to result in an amino acid change (p.=). This variant has been reported in eight unrelated individuals, six of them in the compound heterozygous state, in a cohort study of oculocutaneous albinism (Michaud et al. 2023. PubMed ID: 37650133). While this variant is not predicted to affect splicing (SpliceAI, Jaganathan et al. 2019. PubMed ID: 30661751), a functional study using both a minigene splicing assay and RT-PCR analysis of patient blood samples demonstrated that the c.1080C>T variant increases the skipping of exon 10 in the transcript, which is predicted to result in a non-functional protein (Michaud et al. 2023. PubMed ID: 37650133). This variant is present in 0.0040% of alleles in individuals of African descent in gnomAD. This variant is interpreted as likely pathogenic.

Labcorp Genetics (formerly Invitae), Labcorp
Classification: Pathogenic. Last evaluated: 2024-11-18. Review status: criteria provided, single submitter. Criteria: Invitae Variant Classification Sherloc (09022015). Collection method: clinical testing. Allele origin: germline.
Comment: This sequence change affects codon 360 of the OCA2 mRNA. It is a 'silent' change, meaning that it does not change the encoded amino acid sequence of the OCA2 protein. This variant is present in population databases (rs373775562, gnomAD 0.004%). This variant has been observed in individual(s) with clinical features of oculocutaneous albinism (PMID: 37650133; internal data). In at least one individual the data is consistent with being in trans (on the opposite chromosome) from a pathogenic variant. It has also been observed to segregate with disease in related individuals. ClinVar contains an entry for this variant (Variation ID: 255717). Studies have shown that this variant is associated with inconclusive levels of altered splicing (PMID: 37650133). For these reasons, this variant has been classified as Pathogenic.

Fulgent Genetics
Classification: Pathogenic for Tyrosinase-positive oculocutaneous albinism; SKIN/HAIR/EYE PIGMENTATION 1, BLUE/NONBLUE EYES. Last evaluated: 2024-06-06. Review status: criteria provided, single submitter. Criteria: ACMG Guidelines, 2015. Collection method: clinical testing. Allele origin: germline.

Women's Health and Genetics/Laboratory Corporation of America, LabCorp
Classification: Pathogenic for Oculocutaneous albinism. Last evaluated: 2024-06-03. Review status: criteria provided, single submitter. Criteria: LabCorp Variant Classification Summary - May 2015. Collection method: clinical testing. Allele origin: germline.
Comment: Variant summary: OCA2 c.1080C>T alters a conserved nucleotide resulting in a synonymous change. Consensus agreement among computation tools predict no significant impact on normal splicing. At least one publication reports experimental evidence that this variant affects splicing (Michaud_2023). The variant allele was found at a frequency of 1.6e-05 in 251144 control chromosomes. c.1080C>T was originally reported as a polymorphism (Oetting_2005). Since then, it has been reported in the literature in multiple compound heterozygous individuals affected with Oculocutaneous Albinism (e.g., Michaud_2023). These data indicate that the variant is very likely to be associated with disease. The following publications have been ascertained in the context of this evaluation (PMID: 37650133, 15712365). ClinVar contains an entry for this variant (Variation ID: 255717). Based on the evidence outlined above, the variant was classified as pathogenic.

Blueprint Genetics
Classification: Likely benign. Last evaluated: 2024-02-23. Review status: criteria provided, single submitter. Criteria: ACMG Guidelines, 2015. Collection method: clinical testing. Allele origin: germline.

Laboratoire de Génétique Moléculaire, CHU Bordeaux
Classification: Likely pathogenic for Tyrosinase-positive oculocutaneous albinism. Review status: criteria provided, single submitter. Criteria: ACMG Guidelines, 2015. Collection method: clinical testing. Allele origin: germline. Affected: yes.

Literature cited by the submitters: PubMed 37650133 (cited by Labcorp Genetics (formerly Invitae), Labcorp and Women's Health and Genetics/Laboratory Corporation of America, LabCorp); PubMed 15712365 (cited by Women's Health and Genetics/Laboratory Corporation of America, LabCorp).

NM_000275.3(OCA2):c.1080C>T (p.Ser360=)

Gene: OCA2 (OCA2 melanosomal transmembrane protein; minus strand). Cytogenetic location: 15q13.1.
Variant type: single nucleotide variant.
Coding change: c.1080C>T on transcript NM_000275.3 (MANE Select); coding-DNA position 1080, C replaced by T.
Protein change: p.Ser360=; no amino-acid change (serine 360 retained).
Molecular consequence: synonymous variant. On other transcripts: intron variant (1).
Genome position (GRCh38, 1-based): chr15:27,990,612, G>A on the plus strand (C>T on the coding strand, the complement: OCA2 is on the minus strand). VCF-style: chr15-27990612-G-A. GRCh37 (hg19) VCF-style: chr15-28235758-G-A.
Other names: c.1045-946C>T (NM_001300984.2).
Identifiers: ClinVar variation 255717 (VCV000255717.14), dbSNP rs373775562, ClinGen allele CA7439224.